The following is an entry in ClinVar:

ClinVar aggregate classification (germline): Uncertain significance (1 of 4 stars; one submission).

Conditions:
LAMA2-related muscular dystrophy (LAMA2-RD). Also called: Laminin alpha 2-related dystrophy. Identifiers: MedGen C5679788, MONDO:0100228.

gnomAD v4.1: 1 of 1,613,938 alleles (0.000062%); highest among the groups gnomAD compares: Non-Finnish European, 0.000085%; no homozygotes.

Submission:

Labcorp Genetics (formerly Invitae), Labcorp
Classification: Uncertain significance for LAMA2-related muscular dystrophy. Last evaluated: 2022-01-14. Review status: criteria provided, single submitter. Criteria: Invitae Variant Classification Sherloc (09022015). Collection method: clinical testing. Allele origin: germline.
Comment: This sequence change replaces proline, which is neutral and non-polar, with leucine, which is neutral and non-polar, at codon 2613 of the LAMA2 protein (p.Pro2613Leu). This variant is not present in population databases (gnomAD no frequency). This variant has not been reported in the literature in individuals affected with LAMA2-related conditions. ClinVar contains an entry for this variant (Variation ID: 1005986). Advanced modeling of protein sequence and biophysical properties (such as structural, functional, and spatial information, amino acid conservation, physicochemical variation, residue mobility, and thermodynamic stability) performed at Invitae indicates that this missense variant is not expected to disrupt LAMA2 protein function. In summary, the available evidence is currently insufficient to determine the role of this variant in disease. Therefore, it has been classified as a Variant of Uncertain Significance.

NM_000426.4(LAMA2):c.7838C>T (p.Pro2613Leu)

Gene: LAMA2 (laminin subunit alpha 2; plus strand). Cytogenetic location: 6q22.33.
Variant type: single nucleotide variant.
Coding change: c.7838C>T on transcript NM_000426.4 (MANE Select); coding-DNA position 7838, C replaced by T.
Protein change: p.Pro2613Leu; replaces proline 2613 with leucine.
Molecular consequence: missense variant.
Genome position (GRCh38, 1-based): chr6:129,486,562, C>T. VCF-style: chr6-129486562-C-T. GRCh37 (hg19) VCF-style: chr6-129807707-C-T.
Other names: c.7826C>T, p.Pro2609Leu (NM_001079823.2); short protein forms P2609L, P2613L.
Identifiers: ClinVar variation 1005986 (VCV001005986.6), dbSNP rs1784596010, ClinGen allele CA365629283.